The following is an entry in ClinVar:

ClinVar aggregate classification (germline): Uncertain significance (1 of 4 stars; one submission).

gnomAD v4.1: 18 of 1,614,010 alleles (0.0011%); highest among the groups gnomAD compares: Non-Finnish European, 0.0015%; no homozygotes.

Submission:

Labcorp Genetics (formerly Invitae), Labcorp
Classification: Uncertain significance. Last evaluated: 2025-05-07. Review status: criteria provided, single submitter. Criteria: Invitae Variant Classification Sherloc (09022015). Collection method: clinical testing. Allele origin: germline.
Comment: This sequence change replaces proline, which is neutral and non-polar, with leucine, which is neutral and non-polar, at codon 354 of the MMP14 protein (p.Pro354Leu). This variant is present in population databases (rs781186873, gnomAD 0.0009%). This variant has not been reported in the literature in individuals affected with MMP14-related conditions. ClinVar contains an entry for this variant (Variation ID: 3683123). Invitae Evidence Modeling of protein sequence and biophysical properties (such as structural, functional, and spatial information, amino acid conservation, physicochemical variation, residue mobility, and thermodynamic stability) indicates that this missense variant is expected to disrupt MMP14 protein function with a positive predictive value of 80%. In summary, the available evidence is currently insufficient to determine the role of this variant in disease. Therefore, it has been classified as a Variant of Uncertain Significance.

NM_004995.4(MMP14):c.1061C>T (p.Pro354Leu)

Gene: MMP14 (matrix metallopeptidase 14; plus strand). Cytogenetic location: 14q11.2.
Variant type: single nucleotide variant.
Coding change: c.1061C>T on transcript NM_004995.4 (MANE Select); coding-DNA position 1061, C replaced by T.
Protein change: p.Pro354Leu; replaces proline 354 with leucine.
Molecular consequence: missense variant.
Genome position (GRCh38, 1-based): chr14:22,844,420, C>T. VCF-style: chr14-22844420-C-T. GRCh37 (hg19) VCF-style: chr14-23313629-C-T.
Other names: short protein forms P354L.
Identifiers: ClinVar variation 3683123 (VCV003683123.2).